The following is an entry in ClinVar:

NM_014363.6(SACS):c.13325G>T (p.Gly4442Val)

Gene: SACS (sacsin molecular chaperone; minus strand). Cytogenetic location: 13q12.12.
Variant type: single nucleotide variant.
Coding change: c.13325G>T on transcript NM_014363.6 (MANE Select); coding-DNA position 13325, G replaced by T.
Protein change: p.Gly4442Val; replaces glycine 4442 with valine.
Molecular consequence: missense variant.
Genome position (GRCh38, 1-based): chr13:23,330,551, C>A on the plus strand (G>T on the coding strand, the complement: SACS is on the minus strand). VCF-style: chr13-23330551-C-A. GRCh37 (hg19) VCF-style: chr13-23904690-C-A.
Other names: p.Gly4442Val; c.12884G>T, p.Gly4295Val (NM_001278055.2); c.13352G>T, p.Gly4451Val (NM_001437336.1); short protein forms G4451V, G4295V, G4442V.
Identifiers: ClinVar variation 4541753 (VCV004541753.1).

ClinVar aggregate classification (germline): Uncertain significance (1 of 4 stars; one submission).

Submission:

Mayo Clinic Laboratories, Mayo Clinic
Classification: Uncertain significance. Last evaluated: 2025-08-14. Review status: criteria provided, single submitter. Criteria: ACMG Guidelines, 2015. Collection method: clinical testing. Allele origin: germline. Observed: 1 variant allele.
Comment: PM2_supporting